The following is an entry in ClinVar:

ClinVar aggregate classification (germline): Uncertain significance. Review status: criteria provided, multiple submitters, no conflicts (2 of 4 stars). 2 submissions from 2 submitters: Uncertain significance (2). Last evaluated 2025-08-02.

Allele frequency attached by ClinVar (database versions not stated): gnomAD exomes below 0.00001 and 0.00001; ExAC 0.00001.
gnomAD v4.1: 13 of 1,613,982 alleles (0.00081%); highest among the groups gnomAD compares: Middle Eastern, 0.017%; no homozygotes.

Submissions (2):

Labcorp Genetics (formerly Invitae), Labcorp
Classification: Uncertain significance. Last evaluated: 2025-08-02. Review status: criteria provided, single submitter. Criteria: Invitae Variant Classification Sherloc (09022015). Collection method: clinical testing. Allele origin: germline.
Comment: This sequence change replaces arginine, which is basic and polar, with tryptophan, which is neutral and slightly polar, at codon 1421 of the DUOX2 protein (p.Arg1421Trp). This variant is present in population databases (rs775445309, gnomAD 0.003%). This missense change has been observed in individual(s) with transient hypothyroidism (PMID: 37390946). ClinVar contains an entry for this variant (Variation ID: 1397655). Invitae Evidence Modeling of protein sequence and biophysical properties (such as structural, functional, and spatial information, amino acid conservation, physicochemical variation, residue mobility, and thermodynamic stability) indicates that this missense variant is expected to disrupt DUOX2 protein function with a positive predictive value of 95%. In summary, the available evidence is currently insufficient to determine the role of this variant in disease. Therefore, it has been classified as a Variant of Uncertain Significance.

Women's Health and Genetics/Laboratory Corporation of America, LabCorp
Classification: Uncertain significance. Last evaluated: 2024-08-22. Review status: criteria provided, single submitter. Criteria: LabCorp Variant Classification Summary - May 2015. Collection method: clinical testing. Allele origin: germline.
Comment: Variant summary: DUOX2 c.4261C>T (p.Arg1421Trp) results in a non-conservative amino acid change located in the Ferric reductase, NAD binding domain (IPR013121) of the encoded protein sequence. Five of five in-silico tools predict a damaging effect of the variant on protein function. The variant allele was found at a frequency of 4e-06 in 251260 control chromosomes. The available data on variant occurrences in the general population are insufficient to allow any conclusion about variant significance. c.4261C>T has been reported in the literature in at least 1 individual affected with biochemical features of transient congenital hypothyroidism (example, Zhang_2023). These data do not allow any conclusion about variant significance. To our knowledge, no experimental evidence demonstrating an impact on protein function has been reported. The following publication has been ascertained in the context of this evaluation (PMID: 37390946). ClinVar contains an entry for this variant (Variation ID: 1397655). Based on the evidence outlined above, the variant was classified as uncertain significance.

Literature cited by the submitters: PubMed 37390946 (cited by Labcorp Genetics (formerly Invitae), Labcorp and Women's Health and Genetics/Laboratory Corporation of America, LabCorp).

NM_001363711.2(DUOX2):c.4261C>T (p.Arg1421Trp)

Gene: DUOX2 (dual oxidase 2; minus strand). Cytogenetic location: 15q21.1.
Variant type: single nucleotide variant.
Coding change: c.4261C>T on transcript NM_001363711.2 (MANE Select); coding-DNA position 4261, C replaced by T.
Protein change: p.Arg1421Trp; replaces arginine 1421 with tryptophan.
Molecular consequence: missense variant.
Genome position (GRCh38, 1-based): chr15:45,095,070, G>A on the plus strand (C>T on the coding strand, the complement: DUOX2 is on the minus strand). VCF-style: chr15-45095070-G-A. GRCh37 (hg19) VCF-style: chr15-45387268-G-A.
Other names: c.4261C>T, p.Arg1421Trp (NM_014080.5); short protein forms R1421W.
Identifiers: ClinVar variation 1397655 (VCV001397655.9), dbSNP rs775445309, ClinGen allele CA7537573.
Genomic context (GRCh38, chr15:45,095,070, plus strand): 5'-GGTCGTTCTCCTCCACCTCTTGGATGATGTCAGCCAGCCACTCAAACTGACGCTGGGTCC[G>A]TGTCACCCAGATGAAGTAGATCTGGGGACACAGGGCTGGAGATCAGGACCCAGCTCAGTT-3'
Protein context (NP_001350640.1, residues 1411-1431): CKKIYFIWVT[Arg1421Trp]TQRQFEWLAD